The following is an entry in ClinVar:

NM_002474.3(MYH11):c.3963+6T>C

Genes: MYH11 (myosin heavy chain 11; minus strand), NDE1 (nudE neurodevelopment protein 1; plus strand). Cytogenetic location: 16p13.11.
Variant type: single nucleotide variant.
Coding change: c.3963+6T>C on transcript NM_002474.3 (MANE Select); 6 bases into the intron after coding-DNA position 3963, T replaced by C.
Molecular consequence: intron variant. On other transcripts: 3 prime UTR variant (2).
Genome position (GRCh38, 1-based): chr16:15,724,882, A>G on the plus strand (T>C on the coding strand, the complement: MYH11 is on the minus strand). VCF-style: chr16-15724882-A-G. GRCh37 (hg19) VCF-style: chr16-15818739-A-G.
Other names: c.*631A>G (NM_001143979.2, NM_017668.3); c.3963+6T>C (NM_022844.3); c.3984+6T>C (NM_001040114.2, NM_001040113.2).
Identifiers: ClinVar variation 465732 (VCV000465732.21), dbSNP rs373371913, ClinGen allele CA7921831.
Genomic context (GRCh38, chr16:15,724,882, plus strand): 5'-TCCCAGGGACCTGCCCCGAGGAAGGCCACCCCCCAGGTCCCCTGGATGATGTGGCAGGAC[A>G]CTCACCTGGGTGTCCTGGAGCTGGGAACTGAGGGACGCCACGTCCTTGGCCAGCTTAATG-3'

ClinVar aggregate classification (germline): Conflicting classifications of pathogenicity. Review status: criteria provided, conflicting classifications (1 of 4 stars). 9 submissions from 9 submitters: Uncertain significance (4); Likely benign (5). Last evaluated 2026-02-02.

Conditions:
Connective tissue disorder. Also called: Connective tissue disease. Identifiers: MedGen C0009782, MONDO:0003900.
Inborn genetic diseases. Identifiers: MedGen C0950123, MeSH D030342.
Aortic aneurysm, familial thoracic 4 (AAT4). Also called: AORTIC ANEURYSM/AORTIC DISSECTION AND PATENT DUCTUS ARTERIOSUS. Identifiers: MedGen C1851504, MONDO:0007568, OMIM 132900.
Familial thoracic aortic aneurysm and aortic dissection (TAAD). Also called: Thoracic aortic aneurysms and dissections. Identifiers: Orphanet 91387, MedGen C4707243, MONDO:0019625.

Allele frequency attached by ClinVar (database versions not stated): gnomAD exomes below 0.00001 and 0.00001; ExAC 0.00001; TOPMed 0.00003; gnomAD 0.00004.
gnomAD v4.1: 20 of 1,613,764 alleles (0.0012%); highest among the groups gnomAD compares: Admixed American, 0.01%; no homozygotes.

Submissions (9):

Women's Health and Genetics/Laboratory Corporation of America, LabCorp
Classification: Uncertain significance. Last evaluated: 2026-02-02. Review status: criteria provided, single submitter. Criteria: LabCorp Variant Classification Summary - May 2015. Collection method: clinical testing. Allele origin: germline.

Labcorp Genetics (formerly Invitae), Labcorp
Classification: Uncertain significance for Aortic aneurysm, familial thoracic 4. Last evaluated: 2025-12-09. Review status: criteria provided, single submitter. Criteria: Invitae Variant Classification Sherloc (09022015). Collection method: clinical testing. Allele origin: germline.
Comment: This sequence change falls in intron 30 of the MYH11 gene. It does not directly change the encoded amino acid sequence of the MYH11 protein. It affects a nucleotide within the consensus splice site. The frequency data for this variant in the population databases is considered unreliable, as metrics indicate poor data quality at this position in the gnomAD database. This variant has not been reported in the literature in individuals affected with MYH11-related conditions. ClinVar contains an entry for this variant (Variation ID: 465732). Variants that disrupt the consensus splice site are a relatively common cause of aberrant splicing (PMID: 17576681, 9536098). Algorithms developed to predict the effect of sequence changes on RNA splicing suggest that this variant is not likely to affect RNA splicing. In summary, the available evidence is currently insufficient to determine the role of this variant in disease. Therefore, it has been classified as a Variant of Uncertain Significance.

Blueprint Genetics
Classification: Likely benign. Last evaluated: 2024-11-07. Review status: criteria provided, single submitter. Criteria: ACMG Guidelines, 2015. Collection method: clinical testing. Allele origin: germline.

ARUP Laboratories, Molecular Genetics and Genomics, ARUP Laboratories
Classification: Uncertain significance. Last evaluated: 2024-08-19. Review status: criteria provided, single submitter. Criteria: ARUP Molecular Germline Variant Investigation Process 2024. Collection method: clinical testing. Allele origin: germline.
Comment: The MYH11 c.3963+6T>C variant (rs), to our knowledge, is not reported in the medical literature but is reported in ClinVar (Variation ID: 465732). This variant is only observed on three alleles in the Genome Aggregation Database (v2.1.1), indicating it is not a common polymorphism. This is an intronic variant and computational analyses (Alamut Visual Plus v.1.5.1) predict that this variant does not alter splicing. However, since this variant is located within the minimal splice region, the clinical significance of this variant is uncertain at this time.

All of Us Research Program, National Institutes of Health
Classification: Likely benign for Familial thoracic aortic aneurysm and aortic dissection. Last evaluated: 2024-07-29. Review status: criteria provided, single submitter. Criteria: ACMG Guidelines, 2015. Collection method: clinical testing. Allele origin: germline. Inheritance: Autosomal dominant inheritance. Observed: 4 variant alleles, 4 heterozygotes.
Comment: This study involves interpretation of variants in research participants for the purpose of population health screening. Participant phenotype was not available at the time of variant classification. Additional details can be found in publication PMID: 35346344, PMCID: PMC8962531

GeneDx
Classification: Likely benign. Last evaluated: 2020-07-14. Review status: criteria provided, single submitter. Criteria: GeneDx Variant Classification Process June 2021. Collection method: clinical testing. Allele origin: germline. Affected: yes.

Color Diagnostics, LLC DBA Color Health
Classification: Likely benign for Familial thoracic aortic aneurysm and aortic dissection. Last evaluated: 2019-12-29. Review status: criteria provided, single submitter. Criteria: ACMG Guidelines, 2015. Collection method: clinical testing. Allele origin: germline.

Ambry Genetics
Classification: Uncertain significance for Inborn genetic diseases. Last evaluated: 2019-10-14. Review status: criteria provided, single submitter. Criteria: Ambry exome assertion method (8-5-2015). Collection method: clinical testing. Allele origin: germline. Affected: yes. Observed: 1 variant allele.

Center for Human Genetics, Inc
Classification: Likely benign for Connective tissue disorder. Last evaluated: 2016-11-01. Review status: criteria provided, single submitter. Criteria: ACMG Guidelines, 2015. Collection method: clinical testing. Allele origin: germline. Affected: yes.

Literature cited by the submitters: PubMed 17576681 (cited by Labcorp Genetics (formerly Invitae), Labcorp); PubMed 9536098 (cited by Labcorp Genetics (formerly Invitae), Labcorp).